The following is an entry in ClinVar:

NM_004085.4(TIMM8A):c.28del (p.Ala10fs)

Gene: TIMM8A (translocase of inner mitochondrial membrane 8A; minus strand). Cytogenetic location: Xq22.1.
Variant type: Deletion.
Coding change: c.28del on transcript NM_004085.4 (MANE Select); coding-DNA position 28, one base deleted (G; older notation c.28delG).
Protein change: p.Ala10fs; shifts the reading frame from alanine 10.
Molecular consequence: frameshift variant.
Genome position (GRCh38, 1-based): chrX:101,348,637, C deleted on the plus strand (G on the coding strand, the reverse complement: TIMM8A is on the minus strand); the first of 2 consecutive C bases (chrX:101,348,637-101,348,638); deleting either gives the same sequence. VCF-style (leftmost placement, unchanged base first): chrX-101348636-GC-G. GRCh37 (hg19) VCF-style: chrX-100603624-GC-G.
Other names: c.28del, p.Ala10fs (NM_001145951.2); short protein forms A10fs.
Identifiers: ClinVar variation 3601882 (VCV003601882.1).

ClinVar aggregate classification (germline): Pathogenic (1 of 4 stars; one submission).

Conditions:
Deafness dystonia syndrome (MTS). Also called: DYSTONIA-DEAFNESS SYNDROME, X-LINKED; Opticoacustic nerve atrophy with dementia; Nerve deafness optic nerve atrophy, and dementia; Syndrome of opticoacoustic nerve atrophy with dementia; Deafness-Dystonia-Optic Neuronopathy Syndrome; DEAFNESS SYNDROME, PROGRESSIVE, WITH BLINDNESS, DYSTONIA, FRACTURES, AND MENTAL DEFICIENCY. Identifiers: Orphanet 52368, MedGen C0796074, MONDO:0010578, OMIM 304700.

Submission:

Institute of Rare Diseases, West China Hospital, Sichuan University
Classification: Pathogenic for Deafness dystonia syndrome. Last evaluated: 2025-01-09. Review status: criteria provided, single submitter. Criteria: ClinGen HL ACMG Specifications v1. Collection method: research. Allele origin: germline. Affected: yes.
Comment: PVS1;PM3_Supporting;PM2_Supporting